The following is an entry in ClinVar:

NM_000487.6(ARSA):c.582dup (p.Trp195fs)

Gene: ARSA (arylsulfatase A; minus strand). Cytogenetic location: 22q13.33.
Variant type: Duplication.
Coding change: c.582dup on transcript NM_000487.6 (MANE Select); coding-DNA position 582, one base duplicated (C; older notation c.582dupC).
Protein change: p.Trp195fs; shifts the reading frame from tryptophan 195.
Molecular consequence: frameshift variant.
Genome position (GRCh38, 1-based): chr22:50,626,936, G duplicated on the plus strand (C on the coding strand, the reverse complement: ARSA is on the minus strand); the first of 6 consecutive G bases (chr22:50,626,936-50,626,941); duplicating any one gives the same sequence. VCF-style (leftmost placement, unchanged base first): chr22-50626935-A-AG. GRCh37 (hg19) VCF-style: chr22-51065363-A-AG.
Other names: c.582dup, p.Trp195fs (NM_001085425.3, NM_001085426.3, NM_001085427.3); c.324dup, p.Trp109fs (NM_001085428.3, NM_001362782.2); short protein forms W109fs, W195fs.
Identifiers: ClinVar variation 973783 (VCV000973783.3), dbSNP rs2082680996, ClinGen allele CA1139667196.
Genomic context (GRCh38, chr22:50,626,935, plus strand): 5'-GGGCGTCGGCCATGAGGTCATGGGCGAAAGCCATGTAGCGGGCCTCTAGTCCGGGCAGCC[A>AG]GGGGGGCTGCGCCTCCACGGACAGGTTGGCCAACAGTGGGATGGGGACCAGGCCCTGGTC-3'

ClinVar aggregate classification (germline): Pathogenic. Review status: criteria provided, multiple submitters, no conflicts (2 of 4 stars). 2 submissions from 2 submitters: Pathogenic (2). Last evaluated 2023-02-23.

Conditions:
Metachromatic leukodystrophy (MLD). Also called: ARSA DEFICIENCY; CEREBROSIDE SULFATASE DEFICIENCY; Cerebral sclerosis diffuse metachromatic form; SULFATIDE LIPIDOSIS; Arylsulfatase A Deficiency; METACHROMATIC LEUKOENCEPHALOPATHY. Identifiers: Orphanet 512, MedGen C0023522, MONDO:0018868, OMIM 250100.

Submissions (2):

3billion
Classification: Pathogenic for Metachromatic leukodystrophy. Last evaluated: 2023-02-23. Review status: criteria provided, single submitter. Criteria: ACMG Guidelines, 2015. Collection method: clinical testing. Allele origin: unknown. Affected: yes.
Comment: The variant is not observed in the gnomAD v2.1.1 dataset. This variant was predicted to result in a loss or disruption of normal protein function through nonsense-mediated decay (NMD) or protein truncation. Multiple pathogenic variants are reported downstream of the variant. The variant has been reported to be associated with ARSA related disorder (ClinVar ID: VCV000973783.1 / PMID: 32632536). Therefore, this variant is classified as Pathogenic according to the recommendation of ACMG/AMP guideline.

Amsterdam Leukodystrophy Center, Amsterdam UMC
Classification: Pathogenic for Metachromatic leukodystrophy. Last evaluated: 2020-06-24. Review status: criteria provided, single submitter. Criteria: ACMG Guidelines, 2015. Collection method: clinical testing. Allele origin: inherited. Affected: yes.

Literature cited by the submitters: PubMed 32632536 (cited by 3billion and Amsterdam Leukodystrophy Center, Amsterdam UMC).